The following is an entry in ClinVar:

NM_000548.5(TSC2):c.3493A>C (p.Lys1165Gln)

Gene: TSC2 (TSC complex subunit 2; plus strand). Cytogenetic location: 16p13.3.
Variant type: single nucleotide variant.
Coding change: c.3493A>C on transcript NM_000548.5 (MANE Select); coding-DNA position 3493, A replaced by C.
Protein change: p.Lys1165Gln; replaces lysine 1165 with glutamine.
Molecular consequence: missense variant. On other transcripts: non-coding transcript variant (5).
Genome position (GRCh38, 1-based): chr16:2,080,260, A>C. VCF-style: chr16-2080260-A-C. GRCh37 (hg19) VCF-style: chr16-2130261-A-C.
Other names: c.3361A>C, p.Lys1121Gln (NM_001077183.3, NM_001370404.1, NM_001406665.1); c.3493A>C, p.Lys1165Gln (NM_001114382.3); c.3253A>C, p.Lys1085Gln (NM_001318827.2); c.3217A>C, p.Lys1073Gln (NM_001318829.2); c.2761A>C, p.Lys921Gln (NM_001318831.2, NM_001406687.1, NM_001406688.1); c.3394A>C, p.Lys1132Gln (NM_001318832.2); c.3364A>C, p.Lys1122Gln (NM_001363528.2, NM_001370405.1, NM_021055.3); c.3490A>C, p.Lys1164Gln (NM_001406663.1, NM_001406664.1); and 18 more; short protein forms K1102Q, K1121Q, K1128Q, K1165Q, K964Q, K1085Q, K1122Q, K1151Q.
Identifiers: ClinVar variation 2626420 (VCV002626420.2), dbSNP rs375444767, ClinGen allele CA394289102.

ClinVar aggregate classification (germline): Uncertain significance (1 of 4 stars; one submission).

Conditions:
Hereditary cancer-predisposing syndrome. Also called: Tumor predisposition; Hereditary Cancer Syndrome; Hereditary neoplastic syndrome; Neoplastic Syndromes, Hereditary. Identifiers: Orphanet 140162, MedGen C0027672, MeSH D009386, MONDO:0015356.

Submission:

Ambry Genetics
Classification: Uncertain significance for Hereditary cancer-predisposing syndrome. Last evaluated: 2023-07-12. Review status: criteria provided, single submitter. Criteria: Ambry Variant Classification Scheme 2023. Collection method: clinical testing. Allele origin: germline.
Comment: The p.K1165Q variant (also known as c.3493A>C), located in coding exon 29 of the TSC2 gene, results from an A to C substitution at nucleotide position 3493. The lysine at codon 1165 is replaced by glutamine, an amino acid with similar properties. This amino acid position is conserved. In addition, the in silico prediction for this alteration is inconclusive. Since supporting evidence is limited at this time, the clinical significance of this alteration remains unclear.